The following is an entry in ClinVar:

NM_014049.5(ACAD9):c.1030-1G>A

Gene: ACAD9 (acyl-CoA dehydrogenase family member 9; plus strand). Cytogenetic location: 3q21.3.
Variant type: single nucleotide variant.
Coding change: c.1030-1G>A on transcript NM_014049.5 (MANE Select); the canonical splice acceptor site of the intron before coding-DNA position 1030, G replaced by A.
Molecular consequence: splice acceptor variant.
Genome position (GRCh38, 1-based): chr3:128,904,385, G>A. VCF-style: chr3-128904385-G-A. GRCh37 (hg19) VCF-style: chr3-128623228-G-A.
Other names: c.661-1G>A (NM_001410805.1).
Identifiers: ClinVar variation 432140 (VCV000432140.6), dbSNP rs773586510, ClinGen allele CA354436089.

ClinVar aggregate classification (germline): Pathogenic/Likely pathogenic. Review status: criteria provided, multiple submitters, no conflicts (2 of 4 stars). 3 submissions from 3 submitters: Pathogenic (1); Likely pathogenic (2). Last evaluated 2024-02-05.

Conditions:
ACAD9-related disorder. Also called: ACAD9-related condition.

Submissions (3):

Blueprint Genetics
Classification: Likely pathogenic for ACAD9-related disorders. Last evaluated: 2024-02-05. Review status: criteria provided, single submitter. Criteria: ACMG Guidelines, 2015. Collection method: clinical testing. Allele origin: germline. Affected: yes. Observed: 1 variant allele.

Labcorp Genetics (formerly Invitae), Labcorp
Classification: Pathogenic. Last evaluated: 2023-09-17. Review status: criteria provided, single submitter. Criteria: Invitae Variant Classification Sherloc (09022015). Collection method: clinical testing. Allele origin: germline.
Comment: Disruption of this splice site has been observed in individuals with complex 1 deficiency (PMID: 25721401, 26475292). ClinVar contains an entry for this variant (Variation ID: 432140). Algorithms developed to predict the effect of sequence changes on RNA splicing suggest that this variant may disrupt the consensus splice site. For these reasons, this variant has been classified as Pathogenic. This variant is not present in population databases (gnomAD no frequency). This sequence change affects an acceptor splice site in intron 10 of the ACAD9 gene. It is expected to disrupt RNA splicing. Variants that disrupt the donor or acceptor splice site typically lead to a loss of protein function (PMID: 16199547), and loss-of-function variants in ACAD9 are known to be pathogenic (PMID: 25721401).

GeneDx
Classification: Likely pathogenic. Last evaluated: 2016-05-05. Review status: criteria provided, single submitter. Criteria: GeneDx Variant Classification (06012015). Collection method: clinical testing. Allele origin: germline. Affected: yes.
Comment: A c.1030-1 G>A variant that is likely pathogenic was identified in the ACAD9 gene. It has not been published as a pathogenic variant, nor has it been reported as a benign variant to our knowledge. The c.1030-1 G>A splice site variant is predicted to destroy the canonical natural acceptor site in intron 10. It is predicted to cause abnormal gene splicing, either leading to an abnormal message that is subject to nonsense-mediated mRNA decay, or to an abnormal protein product if the message is used for protein translation. Therefore, this variant is likely pathogenic; however, the possibility that it is benign cannot be excluded.

Literature cited by the submitters: PubMed 25721401 (cited by Labcorp Genetics (formerly Invitae), Labcorp); PubMed 26475292 (cited by Labcorp Genetics (formerly Invitae), Labcorp); PubMed 16199547 (cited by Labcorp Genetics (formerly Invitae), Labcorp).